The following is an entry in ClinVar:

ClinVar aggregate classification (germline): Conflicting classifications of pathogenicity. Review status: criteria provided, conflicting classifications (1 of 4 stars). 4 submissions from 4 submitters: Uncertain significance (2); Likely benign (2). Last evaluated 2026-01-21.

Conditions:
Arrhythmogenic right ventricular dysplasia 10. Also called: ARRHYTHMOGENIC RIGHT VENTRICULAR DYSPLASIA, FAMILIAL, 10; Arrhythmogenic right ventricular dysplasia/cardiomyopathy, type 10; Arrhythmogenic Right Ventricular Dysplasia/Cardiomyopathy10. Identifiers: MedGen C1857777, MONDO:0012434, OMIM 610193.
Cardiomyopathy (CMYO). Also called: Cardiomyopathies. Identifiers: Orphanet 167848, MedGen C0878544, MONDO:0004994, HP:0001638. Inheritance: Various modes of inheritance.
Cardiovascular phenotype. Identifiers: MedGen CN230736.

Allele frequency attached by ClinVar (database versions not stated): TOPMed below 0.00001; gnomAD 0.00001; gnomAD exomes 0.00001 and 0.00004; ExAC 0.00002; ESP Exome Variant Server 0.00009.
gnomAD v4.1: 57 of 1,612,802 alleles (0.0035%); highest among the groups gnomAD compares: Non-Finnish European, 0.0047%; no homozygotes.

Submissions (4):

Labcorp Genetics (formerly Invitae), Labcorp
Classification: Uncertain significance for Arrhythmogenic right ventricular dysplasia 10. Last evaluated: 2026-01-21. Review status: criteria provided, single submitter. Criteria: Invitae Variant Classification Sherloc (09022015). Collection method: clinical testing. Allele origin: germline.
Comment: This sequence change falls in intron 7 of the DSG2 gene. It does not directly change the encoded amino acid sequence of the DSG2 protein. It affects a nucleotide within the consensus splice site. This variant is present in population databases (rs373286117, gnomAD 0.007%). This variant has not been reported in the literature in individuals affected with DSG2-related conditions. ClinVar contains an entry for this variant (Variation ID: 848357). Variants that disrupt the consensus splice site are a relatively common cause of aberrant splicing (PMID: 17576681, 9536098). Algorithms developed to predict the effect of sequence changes on RNA splicing suggest that this variant is not likely to affect RNA splicing. In summary, the available evidence is currently insufficient to determine the role of this variant in disease. Therefore, it has been classified as a Variant of Uncertain Significance.

Ambry Genetics
Classification: Uncertain significance for Cardiovascular phenotype. Last evaluated: 2025-08-07. Review status: criteria provided, single submitter. Criteria: Ambry Variant Classification Scheme 2023. Collection method: clinical testing. Allele origin: germline.
Comment: The c.828+5C>T intronic variant results from a C to T substitution 5 nucleotides after coding exon 7 in the DSG2 gene. This nucleotide position is not well conserved in available vertebrate species. In silico splice site analysis predicts that this alteration will not have any significant effect on splicing. Based on the available evidence, the clinical significance of this variant remains unclear.

CeGaT Center for Human Genetics Tuebingen
Classification: Likely benign. Last evaluated: 2022-08-01. Review status: criteria provided, single submitter. Criteria: CeGaT Center For Human Genetics Tuebingen Variant Classification Criteria Version 2. Collection method: clinical testing. Allele origin: germline. Affected: yes. Observed: 1 variant allele.
Comment: DSG2: BP4

Color Diagnostics, LLC DBA Color Health
Classification: Likely benign for Cardiomyopathy. Last evaluated: 2018-11-16. Review status: criteria provided, single submitter. Criteria: ACMG Guidelines, 2015. Collection method: clinical testing. Allele origin: germline.

Literature cited by the submitters: PubMed 17576681 (cited by Labcorp Genetics (formerly Invitae), Labcorp); PubMed 9536098 (cited by Labcorp Genetics (formerly Invitae), Labcorp).

NM_001943.5(DSG2):c.828+5C>T

Gene: DSG2 (desmoglein 2; plus strand). Cytogenetic location: 18q12.1.
Variant type: single nucleotide variant.
Coding change: c.828+5C>T on transcript NM_001943.5 (MANE Select); 5 bases into the intron after coding-DNA position 828, C replaced by T.
Molecular consequence: intron variant.
Genome position (GRCh38, 1-based): chr18:31,524,590, C>T. VCF-style: chr18-31524590-C-T. GRCh37 (hg19) VCF-style: chr18-29104553-C-T.
Identifiers: ClinVar variation 848357 (VCV000848357.36), dbSNP rs373286117, ClinGen allele CA050171.
Genomic context (GRCh38, chr18:31,524,590, plus strand): 5'-TTCAGATTCGTATTTTGGATGTCAATGACAATATACCTGTAGTAGAAAATAAAGTGGTAA[C>T]TATTATTCTTCTAATAACTGTACCTATTTATTTATATTTCAGTCCTAATTAAAAATATAT-3'